The following is an entry in ClinVar:

ClinVar aggregate classification (germline): Benign. Review status: criteria provided, multiple submitters, no conflicts (2 of 4 stars). 3 submissions from 3 submitters: Benign (2). 1 of the submissions does not count toward it. Last evaluated 2026-01-19.

Conditions:
NDUFB8-related disorder. Also called: NDUFB8-related condition.

Allele frequency attached by ClinVar (database versions not stated): gnomAD exomes 0.00029 and 0.00130; gnomAD 0.00030 and 0.00031; 1000 Genomes Project 0.00040; ExAC 0.00098; 1000 Genomes Project 30x 0.00031.
gnomAD v4.1: 463 of 1,613,420 alleles (0.029%); highest among the groups gnomAD compares: Admixed American, 0.69%; 3 homozygotes.

Submissions (3):

Labcorp Genetics (formerly Invitae), Labcorp
Classification: Benign. Last evaluated: 2026-01-19. Review status: criteria provided, single submitter. Criteria: Invitae Variant Classification Sherloc (09022015). Collection method: clinical testing. Allele origin: germline.

Breakthrough Genomics
Classification: Benign. Review status: criteria provided, single submitter. Criteria: ACMG Guidelines, 2015. Collection method: not provided. Allele origin: germline. Inheritance: Autosomal recessive inheritance. Affected: yes.

PreventionGenetics, part of Exact Sciences
Classification: Benign for NDUFB8-related condition. Last evaluated: 2019-10-29. Review status: no assertion criteria provided. Collection method: clinical testing. Allele origin: germline. Not counted in ClinVar's aggregate classification.
Comment: This variant is classified as benign based on ACMG/AMP sequence variant interpretation guidelines (Richards et al. 2015 PMID: 25741868, with internal and published modifications).

NM_005004.4(NDUFB8):c.311C>T (p.Pro104Leu)

Gene: NDUFB8 (NADH:ubiquinone oxidoreductase subunit B8; minus strand). Cytogenetic location: 10q24.31.
Variant type: single nucleotide variant.
Coding change: c.311C>T on transcript NM_005004.4 (MANE Select); coding-DNA position 311, C replaced by T.
Protein change: p.Pro104Leu; replaces proline 104 with leucine.
Molecular consequence: missense variant.
Genome position (GRCh38, 1-based): chr10:100,526,976, G>A on the plus strand (C>T on the coding strand, the complement: NDUFB8 is on the minus strand). VCF-style: chr10-100526976-G-A. GRCh37 (hg19) VCF-style: chr10-102286733-G-A.
Other names: c.311C>T, p.Pro104Leu (NM_001284367.2); c.218C>T, p.Pro73Leu (NM_001284368.1); c.311C>T (NM_005004.3); short protein forms P104L, P73L.
Identifiers: ClinVar variation 1167556 (VCV001167556.12), dbSNP rs185514139, ClinGen allele CA5650186.